The following is an entry in ClinVar:

ClinVar aggregate classification (germline): Likely benign (1 of 4 stars; one submission).

Submission:

CeGaT Center for Human Genetics Tuebingen
Classification: Likely benign. Last evaluated: 2026-03-01. Review status: criteria provided, single submitter. Criteria: CeGaT Center For Human Genetics Tuebingen Variant Classification Criteria Version 2. Collection method: clinical testing. Allele origin: germline. Affected: yes. Observed: 1 variant allele.
Comment: KRT13: BP4

NM_153490.3(KRT13):c.292G>A (p.Gly98Ser)

Gene: KRT13 (keratin 13; minus strand). Cytogenetic location: 17q21.2.
Variant type: single nucleotide variant.
Coding change: c.292G>A on transcript NM_153490.3 (MANE Select); coding-DNA position 292, G replaced by A.
Protein change: p.Gly98Ser; replaces glycine 98 with serine.
Molecular consequence: missense variant.
Genome position (GRCh38, 1-based): chr17:41,505,259, C>T on the plus strand (G>A on the coding strand, the complement: KRT13 is on the minus strand). VCF-style: chr17-41505259-C-T. GRCh37 (hg19) VCF-style: chr17-39661511-C-T.
Other names: c.292G>A, p.Gly98Ser (NM_002274.4); short protein forms G98S.
Identifiers: ClinVar variation 4821628 (VCV004821628.4).